The following is an entry in ClinVar:

NM_001849.4(COL6A2):c.1817-3del

Gene: COL6A2 (collagen type VI alpha 2 chain; plus strand). Cytogenetic location: 21q22.3.
Variant type: Deletion.
Coding change: c.1817-3del on transcript NM_001849.4 (MANE Select); 3 bases into the intron before coding-DNA position 1817, one base deleted (C; older notation c.1817-3delC).
Molecular consequence: intron variant.
Genome position (GRCh38, 1-based): chr21:46,125,462, C deleted; the last of 7 consecutive C bases (chr21:46,125,456-46,125,462); deleting any one gives the same sequence. VCF-style (leftmost placement, unchanged base first): chr21-46125455-AC-A. GRCh37 (hg19) VCF-style: chr21-47545369-AC-A.
Other names: c.1817-3del (NM_058175.3, NM_058174.3).
Identifiers: ClinVar variation 282237 (VCV000282237.18), dbSNP rs149954350, ClinGen allele CA10072290.

ClinVar aggregate classification (germline): Benign/Likely benign. Review status: criteria provided, multiple submitters, no conflicts (2 of 4 stars). 3 submissions from 3 submitters: Benign (1); Likely benign (1). 1 of the submissions does not count toward it. Last evaluated 2026-01-04.

Conditions:
COL6A2-related disorder.
Bethlem myopathy 1A. Also called: Bethlem myopathy 1; MYOPATHY, BENIGN CONGENITAL, WITH CONTRACTURES; Bethlem Muscular Dystrophy. Identifiers: Orphanet 610, MedGen CN029274, MONDO:0024530, OMIM 158810.

Submissions (3):

Labcorp Genetics (formerly Invitae), Labcorp
Classification: Benign for Bethlem myopathy 1A. Last evaluated: 2026-01-04. Review status: criteria provided, single submitter. Criteria: Invitae Variant Classification Sherloc (09022015). Collection method: clinical testing. Allele origin: germline.

Eurofins Ntd Llc (ga)
Classification: Likely benign. Last evaluated: 2015-08-27. Review status: criteria provided, single submitter. Criteria: EGL Classification Definitions 2015. Collection method: clinical testing. Allele origin: germline. Observed: 1 variant allele.

PreventionGenetics, part of Exact Sciences
Classification: Likely benign for COL6A2-related condition. Last evaluated: 2024-09-20. Review status: no assertion criteria provided. Collection method: clinical testing. Allele origin: germline. Not counted in ClinVar's aggregate classification.
Comment: This variant is classified as likely benign based on ACMG/AMP sequence variant interpretation guidelines (Richards et al. 2015 PMID: 25741868, with internal and published modifications).